The following is an entry in ClinVar:

ClinVar aggregate classification (germline): Likely benign. Review status: reviewed by expert panel (3 of 4 stars). 5 submissions from 5 submitters: Likely benign (1). 4 of the submissions do not count toward it. Last evaluated 2017-06-29.

Conditions:
Hereditary cancer-predisposing syndrome. Also called: Hereditary Cancer Syndrome; Neoplastic Syndromes, Hereditary; Tumor predisposition; Hereditary neoplastic syndrome. Identifiers: Orphanet 140162, MedGen C0027672, MeSH D009386, MONDO:0015356.
Breast and/or ovarian cancer. Identifiers: MedGen CN221562.
Breast-ovarian cancer, familial, susceptibility to, 2 (BROVCA2). Also called: BRCA2 Hereditary Breast and Ovarian Cancer. Identifiers: Orphanet 145, MedGen C2675520, MONDO:0012933, OMIM 612555. Disease mechanism: loss of function.
Hereditary breast ovarian cancer syndrome. Also called: Hereditary breast and/or ovarian cancer syndrome; BRCA1- and BRCA2-Associated Hereditary Breast and Ovarian Cancer; Hereditary breast and ovarian cancer syndrome (HBOC); Hereditary breast and ovarian cancer; Hereditary breast and ovarian cancer syndrome; Breast and ovarian cancer. Identifiers: Orphanet 145, MedGen C0677776, MeSH D061325, MONDO:0003582. Disease mechanism: loss of function.

Allele frequency attached by ClinVar (database versions not stated): gnomAD exomes below 0.00001.
gnomAD v4.1: 1 of 1,613,936 alleles (0.000062%); highest among the groups gnomAD compares: South Asian, 0.0011%; no homozygotes.

Submissions (5):

Evidence-based Network for the Interpretation of Germline Mutant Alleles (ENIGMA)
Classification: Likely benign for Breast-ovarian cancer, familial, susceptibility to, 2. Last evaluated: 2017-06-29. Review status: reviewed by expert panel. Criteria: ENIGMA BRCA1/2 Classification Criteria (2017-06-29). Collection method: curation. Allele origin: germline.
Comment: Synonymous substitution variant, with low bioinformatic likelihood to result in a splicing aberration (Splicing prior probability 0.02).

Women's Health and Genetics/Laboratory Corporation of America, LabCorp
Classification: Likely benign. Last evaluated: 2024-12-06. Review status: criteria provided, single submitter. Criteria: LabCorp Variant Classification Summary - May 2015. Collection method: clinical testing. Allele origin: germline. Not counted in ClinVar's aggregate classification.

Labcorp Genetics (formerly Invitae), Labcorp
Classification: Likely benign for Hereditary breast ovarian cancer syndrome. Last evaluated: 2023-03-09. Review status: criteria provided, single submitter. Criteria: Invitae Variant Classification Sherloc (09022015). Collection method: clinical testing. Allele origin: germline. Not counted in ClinVar's aggregate classification.

CHEO Genetics Diagnostic Laboratory, Children's Hospital of Eastern Ontario
Classification: Likely benign for Breast and/or ovarian cancer. Last evaluated: 2020-01-08. Review status: criteria provided, single submitter. Criteria: ACMG Guidelines, 2015. Collection method: clinical testing. Allele origin: germline. Not counted in ClinVar's aggregate classification.

Ambry Genetics
Classification: Likely benign for Hereditary cancer-predisposing syndrome. Last evaluated: 2015-01-28. Review status: criteria provided, single submitter. Criteria: Ambry Variant Classification Scheme 2023. Collection method: clinical testing. Allele origin: germline. Not counted in ClinVar's aggregate classification.

NM_000059.4(BRCA2):c.9639C>T (p.Asn3213=)

Gene: BRCA2 (BRCA2 DNA repair associated; plus strand). Cytogenetic location: 13q13.1.
Variant type: single nucleotide variant.
Coding change: c.9639C>T on transcript NM_000059.4 (MANE Select); coding-DNA position 9639, C replaced by T.
Protein change: p.Asn3213=; no amino-acid change (asparagine 3213 retained).
Molecular consequence: synonymous variant.
Genome position (GRCh38, 1-based): chr13:32,397,035, C>T. VCF-style: chr13-32397035-C-T. GRCh37 (hg19) VCF-style: chr13-32971172-C-T.
Identifiers: ClinVar variation 230242 (VCV000230242.13), dbSNP rs876658460, ClinGen allele CA10579841.